The following is an entry in ClinVar:

NM_182493.3(MYLK3):c.602C>T (p.Ala201Val)

Gene: MYLK3 (myosin light chain kinase 3; minus strand). Cytogenetic location: 16q11.2.
Variant type: single nucleotide variant.
Coding change: c.602C>T on transcript NM_182493.3 (MANE Select); coding-DNA position 602, C replaced by T.
Protein change: p.Ala201Val; replaces alanine 201 with valine.
Molecular consequence: missense variant. On other transcripts: intron variant (1).
Genome position (GRCh38, 1-based): chr16:46,738,110, G>A on the plus strand (C>T on the coding strand, the complement: MYLK3 is on the minus strand). VCF-style: chr16-46738110-G-A. GRCh37 (hg19) VCF-style: chr16-46772022-G-A.
Other names: c.-23+1947C>T (NM_001308301.1); c.602C>T (NM_182493.2); short protein forms A201V.
Identifiers: ClinVar variation 1351215 (VCV001351215.9), dbSNP rs376487384, ClinGen allele CA8038189.

ClinVar aggregate classification (germline): Conflicting classifications of pathogenicity. Review status: criteria provided, conflicting classifications (1 of 4 stars). 2 submissions from 2 submitters: Uncertain significance (1); Likely benign (1). Last evaluated 2025-09-22.

Allele frequency attached by ClinVar (database versions not stated): ExAC 0.00001; gnomAD exomes 0.00002; gnomAD 0.00006 and 0.00007; ESP Exome Variant Server 0.00008; TOPMed 0.00008; 1000 Genomes Project 30x 0.00016; 1000 Genomes Project 0.00020.

Submissions (2):

Labcorp Genetics (formerly Invitae), Labcorp
Classification: Uncertain significance. Last evaluated: 2025-09-22. Review status: criteria provided, single submitter. Criteria: Invitae Variant Classification Sherloc (09022015). Collection method: clinical testing. Allele origin: germline.
Comment: This sequence change replaces alanine, which is neutral and non-polar, with valine, which is neutral and non-polar, at codon 201 of the MYLK3 protein (p.Ala201Val). The frequency data for this variant in the population databases is considered unreliable, as metrics indicate poor data quality at this position in the gnomAD database. This missense change has been observed in individual(s) with MYLK3-related conditions (internal data). ClinVar contains an entry for this variant (Variation ID: 1351215). An algorithm developed to predict the effect of missense changes on protein structure and function outputs the following: PolyPhen-2: "Benign". The valine amino acid residue is found in multiple mammalian species, which suggests that this missense change does not adversely affect protein function. In summary, the available evidence is currently insufficient to determine the role of this variant in disease. Therefore, it has been classified as a Variant of Uncertain Significance.

Ambry Genetics
Classification: Likely benign. Last evaluated: 2025-06-24. Review status: criteria provided, single submitter. Criteria: Ambry Variant Classification Scheme 2023. Collection method: clinical testing. Allele origin: germline.